The following is an entry in ClinVar:

NM_015205.3(ATP11A):c.110_111delinsTC (p.Ala37Val)

Gene: ATP11A (ATPase phospholipid transporting 11A; plus strand). Cytogenetic location: 13q34.
Variant type: Indel.
Coding change: c.110_111delinsTC on transcript NM_015205.3 (MANE Select); coding-DNA positions 110 to 111, CA replaced by TC.
Protein change: p.Ala37Val; replaces alanine 37 with valine.
Molecular consequence: missense variant.
Genome position (GRCh38, 1-based): chr13:112,785,205-112,785,206, CA replaced by TC. VCF-style: chr13-112785205-CA-TC. GRCh37 (hg19) VCF-style: chr13-113439519-CA-TC.
Other names: c.110_111delCAinsTC, p.Ala37Val (NM_001405661.1, NM_001405662.1, NM_001405663.1); c.110_111delinsTC, p.Ala37Val (NM_032189.4); short protein forms A37V.
Identifiers: ClinVar variation 2431697 (VCV002431697.1), dbSNP rs2502652033, ClinGen allele CA2580087212.
Genomic context (GRCh38, chr13:112,785,205, plus strand): 5'-AAGAGAATTGGGTGGACAGCAGGACCATCTACGTGGGACACAGGGAGCCACCTCCGGGCG[CA>TC]GAGGCCTACATCCCACAGAGATACCCAGACAACAGGATCGTCTCGTCCAAGGTAACTTGG-3'
Protein context (NP_056020.2, residues 27-47): YVGHREPPPG[Ala37Val]EAYIPQRYPD

ClinVar aggregate classification (germline): Uncertain significance (1 of 4 stars; one submission).

Conditions:
Leukodystrophy, hypomyelinating, 24 (HLD24). Identifiers: MedGen C5676974, MONDO:0859242, OMIM 619851.

Submission:

Laboratorio de Genetica e Diagnostico Molecular, Hospital Israelita Albert Einstein
Classification: Uncertain significance for Leukodystrophy, hypomyelinating, 24. Last evaluated: 2022-08-11. Review status: criteria provided, single submitter. Criteria: ACMG Guidelines, 2015. Collection method: clinical testing. Allele origin: germline. Affected: yes. Observed: 1 variant allele.
Comment: ACMG classification criteria: PM2 moderated, BP4 supporting